The following is an entry in ClinVar:

ClinVar aggregate classification (germline): Uncertain significance. Review status: criteria provided, multiple submitters, no conflicts (2 of 4 stars). 4 submissions from 4 submitters: Uncertain significance (3). 1 of the submissions does not count toward it. Last evaluated 2025-11-11.

Conditions:
POLD1-related disorder. Also called: POLD1-related condition; POLD1-related disorders.
POLD1-related polyposis and colorectal cancer syndrome (CRCS10). Also called: Colorectal cancer 10; COLORECTAL CANCER, SUSCEPTIBILITY TO, ON CHROMOSOME 19q; Colorectal cancer, susceptibility to, 10. Identifiers: Orphanet 220460, MedGen C2675481, MONDO:0012953, OMIM 612591.
Hereditary cancer-predisposing syndrome. Also called: Tumor predisposition; Neoplastic Syndromes, Hereditary; Hereditary Cancer Syndrome; Hereditary neoplastic syndrome. Identifiers: Orphanet 140162, MedGen C0027672, MeSH D009386, MONDO:0015356.

Allele frequency attached by ClinVar (database versions not stated): TOPMed 0.00001; gnomAD exomes below 0.00001; gnomAD 0.00001.
gnomAD v4.1: 2 of 1,610,898 alleles (0.00012%); highest among the groups gnomAD compares: African/African-American, 0.0027%; no homozygotes.

Submissions (4):

Labcorp Genetics (formerly Invitae), Labcorp
Classification: Uncertain significance for POLD1-related polyposis and colorectal cancer syndrome. Last evaluated: 2025-11-11. Review status: criteria provided, single submitter. Criteria: Invitae Variant Classification Sherloc (09022015). Collection method: clinical testing. Allele origin: germline.
Comment: This sequence change replaces glycine, which is neutral and non-polar, with aspartic acid, which is acidic and polar, at codon 744 of the POLD1 protein (p.Gly744Asp). This variant is not present in population databases (gnomAD no frequency). This variant has not been reported in the literature in individuals affected with POLD1-related conditions. ClinVar contains an entry for this variant (Variation ID: 537102). Invitae Evidence Modeling of protein sequence and biophysical properties (such as structural, functional, and spatial information, amino acid conservation, physicochemical variation, residue mobility, and thermodynamic stability) indicates that this missense variant is expected to disrupt POLD1 protein function with a positive predictive value of 80%. In summary, the available evidence is currently insufficient to determine the role of this variant in disease. Therefore, it has been classified as a Variant of Uncertain Significance.

Ambry Genetics
Classification: Uncertain significance for Hereditary cancer-predisposing syndrome. Last evaluated: 2025-01-21. Review status: criteria provided, single submitter. Criteria: Ambry Variant Classification Scheme 2023. Collection method: clinical testing. Allele origin: germline.
Comment: The p.G744D variant (also known as c.2231G>A), located in coding exon 17 of the POLD1 gene, results from a G to A substitution at nucleotide position 2231. The glycine at codon 744 is replaced by aspartic acid, an amino acid with similar properties. This amino acid position is conserved. In addition, the in silico prediction for this alteration is inconclusive. Based on the available evidence, the clinical significance of this variant remains unclear.

GeneDx
Classification: Uncertain significance. Last evaluated: 2023-08-21. Review status: criteria provided, single submitter. Criteria: GeneDx Variant Classification Process June 2021. Collection method: clinical testing. Allele origin: germline. Affected: yes.
Comment: Not observed at significant frequency in large population cohorts (gnomAD); In silico analysis supports that this missense variant has a deleterious effect on protein structure/function; Has not been previously published as pathogenic or benign to our knowledge

PreventionGenetics, part of Exact Sciences
Classification: Uncertain significance for POLD1-related condition. Last evaluated: 2024-02-21. Review status: no assertion criteria provided. Collection method: clinical testing. Allele origin: germline. Not counted in ClinVar's aggregate classification.
Comment: The POLD1 c.2231G>A variant is predicted to result in the amino acid substitution p.Gly744Asp. To our knowledge, this variant has not been reported in the literature or in a large population database, indicating this variant is rare. At this time, the clinical significance of this variant is uncertain due to the absence of conclusive functional and genetic evidence.

NM_002691.4(POLD1):c.2231G>A (p.Gly744Asp)

Gene: POLD1 (DNA polymerase delta 1, catalytic subunit; plus strand). Cytogenetic location: 19q13.33.
Variant type: single nucleotide variant.
Coding change: c.2231G>A on transcript NM_002691.4 (MANE Select); coding-DNA position 2231, G replaced by A.
Protein change: p.Gly744Asp; replaces glycine 744 with aspartic acid.
Molecular consequence: missense variant. On other transcripts: non-coding transcript variant (1).
Genome position (GRCh38, 1-based): chr19:50,413,502, G>A. VCF-style: chr19-50413502-G-A. GRCh37 (hg19) VCF-style: chr19-50916759-G-A.
Other names: c.2231G>A, p.Gly744Asp (NM_001256849.1); c.2309G>A, p.Gly770Asp (NM_001308632.1); short protein forms G744D, G770D.
Identifiers: ClinVar variation 537102 (VCV000537102.15), dbSNP rs1555792558, ClinGen allele CA406983769.